The following is an entry in ClinVar:

ClinVar aggregate classification (germline): Benign (3 of 4 stars; one submission).

Conditions:
Breast-ovarian cancer, familial, susceptibility to, 1 (BROVCA1). Also called: BRCA1 Hereditary Breast and Ovarian Cancer; OVARIAN CANCER, SUSCEPTIBILITY TO. Identifiers: Orphanet 145, MedGen C2676676, MONDO:0011450, OMIM 604370. Disease mechanism: loss of function.

Allele frequency attached by ClinVar (database versions not stated): gnomAD 0.00444 and 0.00567; TOPMed 0.00581; 1000 Genomes Project 0.01757.

Submission:

Evidence-based Network for the Interpretation of Germline Mutant Alleles (ENIGMA)
Classification: Benign for Breast-ovarian cancer, familial 1. Last evaluated: 2015-01-12. Review status: reviewed by expert panel. Criteria: ENIGMA BRCA1/2 Classification Criteria (2015). Collection method: curation. Allele origin: germline.
Comment: Class 1 not pathogenic based on frequency >1% in an outbred sampleset. Frequency 0.05 (Asian), derived from 1000 genomes (2012-04-30).

NM_007294.4(BRCA1):c.4676-777del

Gene: BRCA1 (BRCA1 DNA repair associated; minus strand). Cytogenetic location: 17q21.31.
Variant type: Deletion.
Coding change: c.4676-777del on transcript NM_007294.4 (MANE Select); 777 bases into the intron before coding-DNA position 4676, one base deleted (A; older notation c.4676-777delA).
Molecular consequence: intron variant.
Genome position (GRCh38, 1-based): chr17:43,072,015, T deleted on the plus strand (A on the coding strand, the reverse complement: BRCA1 is on the minus strand). VCF-style (leftmost placement, unchanged base first): chr17-43072014-AT-A. GRCh37 (hg19) VCF-style: chr17-41224031-AT-A.
Other names: IVS 15-777del; c.1223-777del (NM_001408458.1, NM_001408461.1, NM_001408464.1 and 7 more transcripts); c.3785-777del (NM_001407967.1); c.4295-777del (NM_001407959.1); c.4409-777del (NM_001407931.1, NM_001407932.1, NM_001407928.1 and 4 more transcripts); c.4532-777del (NM_001407747.1, NM_001407745.1, NM_001407737.1 and 21 more transcripts); c.4292-777del (NM_001407962.1, NM_001407960.1); c.863-777del (NM_001408512.1); and 72 more.
Identifiers: ClinVar variation 209360 (VCV000209360.2), dbSNP rs200424092, ClinGen allele CA276332.
Genomic context (GRCh38, chr17:43,072,014, plus strand): 5'-GCTGAGATTGAGCCATTGCATTCCAGCCTGGGCAACAGAGCGAGACTCCGTCTCAAAAAA[AT>A]AAATAAATAAAAATAAATAAATAAATAAAAGTTTATGTAAAATGACTAAAGAAACACAGA-3'